The following is an entry in ClinVar:

ClinVar aggregate classification (germline): Likely pathogenic (1 of 4 stars; one submission).

Submission:

GeneDx
Classification: Likely pathogenic. Last evaluated: 2024-10-28. Review status: criteria provided, single submitter. Criteria: GeneDx Variant Classification Process June 2021. Collection method: clinical testing. Allele origin: germline. Affected: yes.
Comment: De novo hemizygous variant in a fetus with short long bones and tricuspid regurgitation in the published literature (PMID: 36923788); Not observed at significant frequency in large population cohorts (gnomAD); In silico analysis supports that this missense variant has a deleterious effect on protein structure/function; This variant is associated with the following publications: (PMID: 36923788)

NM_018684.4(ZC4H2):c.635C>T (p.Ser212Phe)

Gene: ZC4H2 (zinc finger C4H2-type containing; minus strand). Cytogenetic location: Xq11.2.
Variant type: single nucleotide variant.
Coding change: c.635C>T on transcript NM_018684.4 (MANE Select); coding-DNA position 635, C replaced by T.
Protein change: p.Ser212Phe; replaces serine 212 with phenylalanine.
Molecular consequence: missense variant. On other transcripts: non-coding transcript variant (1).
Genome position (GRCh38, 1-based): chrX:64,917,823, G>A on the plus strand (C>T on the coding strand, the complement: ZC4H2 is on the minus strand). VCF-style: chrX-64917823-G-A. GRCh37 (hg19) VCF-style: chrX-64137703-G-A.
Other names: c.566C>T, p.Ser189Phe (NM_001178032.3, NM_001243804.2); c.472C>T, p.Pro158Ser (NM_001178033.3); short protein forms P158S, S189F, S212F.
Identifiers: ClinVar variation 3893365 (VCV003893365.1).